The following is an entry in ClinVar:

NM_000368.5(TSC1):c.2144G>C (p.Arg715Pro)

Gene: TSC1 (TSC complex subunit 1; minus strand). Cytogenetic location: 9q34.13.
Variant type: single nucleotide variant.
Coding change: c.2144G>C on transcript NM_000368.5 (MANE Select); coding-DNA position 2144, G replaced by C.
Protein change: p.Arg715Pro; replaces arginine 715 with proline.
Molecular consequence: missense variant. On other transcripts: non-coding transcript variant (4).
Genome position (GRCh38, 1-based): chr9:132,903,715, C>G on the plus strand (G>C on the coding strand, the complement: TSC1 is on the minus strand). VCF-style: chr9-132903715-C-G. GRCh37 (hg19) VCF-style: chr9-135779102-C-G.
Other names: c.2141G>C, p.Arg714Pro (NM_001162426.2, NM_001406600.1, NM_001406608.1 and 4 more transcripts); c.2129G>C, p.Arg710Pro (NM_001406601.1, NM_001406602.1); c.2126G>C, p.Arg709Pro (NM_001406603.1, NM_001406604.1); c.2144G>C, p.Arg715Pro (NM_001406605.1, NM_001406606.1, NM_001406607.1 and 5 more transcripts); c.1781G>C, p.Arg594Pro (NM_001406619.1, NM_001406624.1, NM_001362177.2 and 5 more transcripts); c.1778G>C, p.Arg593Pro (NM_001406620.1, NM_001406621.1, NM_001406622.1 and 2 more transcripts); c.1193G>C, p.Arg398Pro (NM_001406626.1); c.1190G>C, p.Arg397Pro (NM_001406627.1, NM_001406628.1); and 3 more; short protein forms R593P, R664P, R715P, R710P, R397P, R709P, R714P, R364P.
Identifiers: ClinVar variation 2855610 (VCV002855610.3), dbSNP rs986350787, ClinGen allele CA375360900.
Genomic context (GRCh38, chr9:132,903,715, plus strand): 5'-GCAGCATTATGTTCCTCCAGAGCTGCTGCTTTGATCACCTTGCGGAGGAGCCGCCTGTTC[C>G]GGAGGGCATGCTGCTGCCTCTTAAAACGCTCATAGAGTAACTGGTTGTGCAGTAAAAGCA-3'
Protein context (NP_000359.1, residues 705-725): ERFKRQQHAL[Arg715Pro]NRRLLRKVIK

ClinVar aggregate classification (germline): Uncertain significance (1 of 4 stars; one submission).

Conditions:
Tuberous sclerosis 1 (TSC1). Identifiers: Orphanet 805, MedGen C1854465, MONDO:0008612, OMIM 191100.

Submission:

Labcorp Genetics (formerly Invitae), Labcorp
Classification: Uncertain significance for Tuberous sclerosis 1. Last evaluated: 2025-10-15. Review status: criteria provided, single submitter. Criteria: Invitae Variant Classification Sherloc (09022015). Collection method: clinical testing. Allele origin: germline.
Comment: This sequence change replaces arginine, which is basic and polar, with proline, which is neutral and non-polar, at codon 715 of the TSC1 protein (p.Arg715Pro). This variant is not present in population databases (gnomAD no frequency). This variant has not been reported in the literature in individuals affected with TSC1-related conditions. ClinVar contains an entry for this variant (Variation ID: 2855610). Invitae Evidence Modeling of protein sequence and biophysical properties (such as structural, functional, and spatial information, amino acid conservation, physicochemical variation, residue mobility, and thermodynamic stability) indicates that this missense variant is expected to disrupt TSC1 protein function with a positive predictive value of 80%. In summary, the available evidence is currently insufficient to determine the role of this variant in disease. Therefore, it has been classified as a Variant of Uncertain Significance.